The following is an entry in ClinVar:

NM_024408.4(NOTCH2):c.4156G>C (p.Gly1386Arg)

Gene: NOTCH2 (notch receptor 2; minus strand). Cytogenetic location: 1p12.
Variant type: single nucleotide variant.
Coding change: c.4156G>C on transcript NM_024408.4 (MANE Select); coding-DNA position 4156, G replaced by C.
Protein change: p.Gly1386Arg; replaces glycine 1386 with arginine.
Molecular consequence: missense variant.
Genome position (GRCh38, 1-based): chr1:119,925,660, C>G on the plus strand (G>C on the coding strand, the complement: NOTCH2 is on the minus strand). VCF-style: chr1-119925660-C-G. GRCh37 (hg19) VCF-style: chr1-120468283-C-G.
Other names: short protein forms G1386R.
Identifiers: ClinVar variation 2708796 (VCV002708796.3), dbSNP rs74522665, ClinGen allele CA341890626.

ClinVar aggregate classification (germline): Uncertain significance (1 of 4 stars; one submission).

Conditions:
Hajdu-Cheney syndrome (HJCYS). Also called: Acroosteolysis dominant type; ACROOSTEOLYSIS WITH OSTEOPOROSIS AND CHANGES IN SKULL AND MANDIBLE; SERPENTINE FIBULA-POLYCYSTIC KIDNEY SYNDROME. Identifiers: Orphanet 955, MedGen C0917715, MONDO:0007057, OMIM 102500.

gnomAD v4.1: 1 of 1,612,618 alleles (0.000062%); highest among the groups gnomAD compares: Non-Finnish European, 0.000085%; no homozygotes.

Submission:

Labcorp Genetics (formerly Invitae), Labcorp
Classification: Uncertain significance for Hajdu-Cheney syndrome. Last evaluated: 2024-01-11. Review status: criteria provided, single submitter. Criteria: Invitae Variant Classification Sherloc (09022015). Collection method: clinical testing. Allele origin: germline.
Comment: This sequence change replaces glycine, which is neutral and non-polar, with arginine, which is basic and polar, at codon 1386 of the NOTCH2 protein (p.Gly1386Arg). This variant is not present in population databases (gnomAD no frequency). This variant has not been reported in the literature in individuals affected with NOTCH2-related conditions. Advanced modeling of protein sequence and biophysical properties (such as structural, functional, and spatial information, amino acid conservation, physicochemical variation, residue mobility, and thermodynamic stability) performed at Invitae indicates that this missense variant is not expected to disrupt NOTCH2 protein function with a negative predictive value of 80%. In summary, the available evidence is currently insufficient to determine the role of this variant in disease. Therefore, it has been classified as a Variant of Uncertain Significance.